The following is an entry in ClinVar:

NM_001278116.2(L1CAM):c.48del (p.Cys17fs)

Gene: L1CAM (L1 cell adhesion molecule; minus strand). Cytogenetic location: Xq28.
Variant type: Deletion.
Coding change: c.48del on transcript NM_001278116.2 (MANE Select); coding-DNA position 48, one base deleted (C; older notation c.48delC).
Protein change: p.Cys17fs; shifts the reading frame from cysteine 17.
Molecular consequence: frameshift variant.
Genome position (GRCh38, 1-based): chrX:153,875,789, G deleted on the plus strand (C on the coding strand, the reverse complement: L1CAM is on the minus strand); the first of 4 consecutive G bases (chrX:153,875,789-153,875,792); deleting any one gives the same sequence. VCF-style (leftmost placement, unchanged base first): chrX-153875788-AG-A. GRCh37 (hg19) VCF-style: chrX-153141243-AG-A.
Other names: c.48del, p.Cys17fs (NM_000425.5, NM_001143963.2, NM_024003.3); short protein forms C17fs.
Identifiers: ClinVar variation 817025 (VCV000817025.1), dbSNP rs1603277417, ClinGen allele CA915952055.

ClinVar aggregate classification (germline): Pathogenic (1 of 4 stars; one submission).

Submission:

GeneDx
Classification: Pathogenic. Last evaluated: 2018-06-11. Review status: criteria provided, single submitter. Criteria: GeneDx Variant Classification (06012015). Collection method: clinical testing. Allele origin: germline. Affected: yes.
Comment: The c.48delC variant in the L1CAM gene has not been reported previously as a pathogenic variant nor as a benign variant, to our knowledge. The c.48delC variant causes a frameshift starting with codon Cysteine 17 changes this amino acid to an Alanine residue, and creates a premature Stop codon at position 15 of the new reading frame, denoted p.Cys17AlafsX15. This variant is predicted to cause loss of normal protein function either through protein truncation or nonsense-mediated mRNA decay. The c.48delC variant is not observed in large population cohorts (Lek et al., 2016). We interpret c.48delC as a pathogenic variant.